The following is an entry in ClinVar:

ClinVar aggregate classification (germline): Uncertain significance (1 of 4 stars; one submission).

Conditions:
Adult-onset proximal spinal muscular atrophy, autosomal dominant. Also called: Spinal muscular atrophy, late-onset, finkel type; FINKEL LATE-ADULT TYPE SMA. Identifiers: Orphanet 209335, MedGen C1854058, MONDO:0008453, OMIM 182980.
Amyotrophic lateral sclerosis type 8 (ALS8). Identifiers: Orphanet 803, MedGen C1837728, MONDO:0012077, OMIM 608627.

Submission:

Labcorp Genetics (formerly Invitae), Labcorp
Classification: Uncertain significance for Adult-onset proximal spinal muscular atrophy, autosomal dominant; Amyotrophic lateral sclerosis type 8. Last evaluated: 2020-01-28. Review status: criteria provided, single submitter. Criteria: Invitae Variant Classification Sherloc (09022015). Collection method: clinical testing. Allele origin: germline.
Comment: In summary, the available evidence is currently insufficient to determine the role of this variant in disease. Therefore, it has been classified as a Variant of Uncertain Significance. The current clinical and genetic evidence is not sufficient to establish whether loss-of-function variants in VAPB cause disease. This variant has not been reported in the literature in individuals with VAPB-related conditions. This variant is a gross deletion of the genomic region encompassing exon 1 of the VAPB gene, which includes the initiator codon. The 5' end of this event is unknown as it extends beyond the assayed region for this gene and therefore may encompass additional genes. The 3' boundary is likely confined to intron 1 of the VAPB gene. This is expected to result in an absent or disrupted protein product.

NC_000020.11:g.(?_58389109)_(58389527_?)del

Gene: VAPB (VAMP associated protein B and C; plus strand). Cytogenetic location: 20q13.32.
Variant type: Deletion.
Identifiers: ClinVar variation 831928 (VCV000831928.46).